The following is an entry in ClinVar:

ClinVar aggregate classification (germline): Uncertain significance. Review status: criteria provided, multiple submitters, no conflicts (2 of 4 stars). 2 submissions from 2 submitters: Uncertain significance (2). Last evaluated 2025-12-25.

Conditions:
Epidermolysis bullosa simplex with nail dystrophy (EBS5D). Identifiers: MedGen C4225309, MONDO:0014661, OMIM 616487.
Autosomal recessive limb-girdle muscular dystrophy type 2Q (LGMDR17). Also called: MUSCULAR DYSTROPHY, LIMB-GIRDLE, AUTOSOMAL RECESSIVE 17. Identifiers: Orphanet 254361, MedGen C3150989, MONDO:0013390, OMIM 613723.
Epidermolysis bullosa simplex, Ogna type (EBS5A). Also called: Pidermolysis bullosa simplex 5A, Ogna type; EPIDERMOLYSIS BULLOSA SIMPLEX 5A, OGNA TYPE. Identifiers: Orphanet 79401, MedGen C0432317, MONDO:0007555, OMIM 131950.
Epidermolysis bullosa simplex 5B, with muscular dystrophy (EBS5B). Also called: EPIDERMOLYSIS BULLOSA SIMPLEX AND LIMB-GIRDLE MUSCULAR DYSTROPHY; Epidermolysis bullosa simplex with muscular dystrophy. Identifiers: Orphanet 257, MedGen C2931072, MONDO:0009181, OMIM 226670.
Epidermolysis bullosa simplex 5C, with pyloric atresia (EBS5C). Also called: PLEC-Related Epidermolysis Bullosa with Pyloric Atresia; Epidermolysis bullosa simplex with pyloric atresia; PLEC1-Related Epidermolysis Bullosa with Pyloric Atresia. Identifiers: Orphanet 158684, MedGen C2677349, MONDO:0012807, OMIM 612138.

Allele frequency attached by ClinVar (database versions not stated): gnomAD exomes below 0.00001.
gnomAD v4.1: 2 of 1,611,540 alleles (0.00012%); highest among the groups gnomAD compares: Non-Finnish European, 0.00017%; no homozygotes.

Submissions (2):

Labcorp Genetics (formerly Invitae), Labcorp
Classification: Uncertain significance for Autosomal recessive limb-girdle muscular dystrophy type 2Q; Epidermolysis bullosa simplex, Ogna type; Epidermolysis bullosa simplex with nail dystrophy; Epidermolysis bullosa simplex 5C, with pyloric atresia; Epidermolysis bullosa simplex 5B, with muscular dystrophy. Last evaluated: 2025-12-25. Review status: criteria provided, single submitter. Criteria: Invitae Variant Classification Sherloc (09022015). Collection method: clinical testing. Allele origin: germline.
Comment: This sequence change replaces serine, which is neutral and polar, with alanine, which is neutral and non-polar, at codon 16 of the PLEC protein (p.Ser16Ala). This variant is not present in population databases (gnomAD no frequency). This variant has not been reported in the literature in individuals affected with PLEC-related conditions. ClinVar contains an entry for this variant (Variation ID: 2689786). Experimental studies and prediction algorithms are not available or were not evaluated, and the functional significance of this variant is currently unknown. In summary, the available evidence is currently insufficient to determine the role of this variant in disease. Therefore, it has been classified as a Variant of Uncertain Significance.

Revvity Omics, Revvity
Classification: Uncertain significance. Last evaluated: 2023-06-14. Review status: criteria provided, single submitter. Criteria: ACMG Guidelines, 2015. Collection method: clinical testing. Allele origin: germline.

NM_000445.5(PLEC):c.46T>G (p.Ser16Ala)

Gene: PLEC (plectin; minus strand). Cytogenetic location: 8q24.3.
Variant type: single nucleotide variant.
Coding change: c.46T>G on transcript NM_000445.5; coding-DNA position 46, T replaced by G.
Protein change: p.Ser16Ala; replaces serine 16 with alanine.
Molecular consequence: missense variant.
Genome position (GRCh38, 1-based): chr8:143,975,324, A>C on the plus strand (T>G on the coding strand, the complement: PLEC is on the minus strand). VCF-style: chr8-143975324-A-C. GRCh37 (hg19) VCF-style: chr8-145049492-A-C.
Other names: c.46T>G, p.Ser16Ala (NM_001410941.1); short protein forms S16A.
Identifiers: ClinVar variation 2689786 (VCV002689786.3), dbSNP rs1833622575, ClinGen allele CA372492172.
Genomic context (GRCh38, chr8:143,975,324, plus strand): 5'-TTTTCCCAAGGTTCCAGGGCAGTGTGTCCCCAGGGCTGGGCGAGCCACTGCTTCCATTGG[A>C]GACATCTTCAGAGACTGCCCGGACCTCAGCGTCCTCACCCGACATGGCCTCCTGGAAGGG-3'